The following is an entry in ClinVar:

NM_014989.7(RIMS1):c.708C>A (p.Ser236Arg)

Gene: RIMS1 (regulating synaptic membrane exocytosis 1; plus strand). Cytogenetic location: 6q13.
Variant type: single nucleotide variant.
Coding change: c.708C>A on transcript NM_014989.7 (MANE Select); coding-DNA position 708, C replaced by A.
Protein change: p.Ser236Arg; replaces serine 236 with arginine.
Molecular consequence: missense variant.
Genome position (GRCh38, 1-based): chr6:72,179,811, C>A. VCF-style: chr6-72179811-C-A. GRCh37 (hg19) VCF-style: chr6-72889514-C-A.
Other names: short protein forms S236R.
Identifiers: ClinVar variation 838528 (VCV000838528.9), dbSNP rs774958376, ClinGen allele CA364818721.

ClinVar aggregate classification (germline): Uncertain significance (1 of 4 stars; one submission).

gnomAD v4.1: 1 of 1,613,642 alleles (0.000062%); highest among the groups gnomAD compares: South Asian, 0.0011%; no homozygotes.

Submission:

Labcorp Genetics (formerly Invitae), Labcorp
Classification: Uncertain significance. Last evaluated: 2019-11-27. Review status: criteria provided, single submitter. Criteria: Invitae Variant Classification Sherloc (09022015). Collection method: clinical testing. Allele origin: germline.
Comment: This variant is not present in population databases (ExAC no frequency). This sequence change replaces serine with arginine at codon 236 of the RIMS1 protein (p.Ser236Arg). The serine residue is moderately conserved and there is a moderate physicochemical difference between serine and arginine. This variant has not been reported in the literature in individuals with RIMS1-related conditions. Algorithms developed to predict the effect of missense changes on protein structure and function output the following: SIFT: "Tolerated"; PolyPhen-2: "Benign"; Align-GVGD: "Class C25". The arginine amino acid residue is found in multiple mammalian species, suggesting that this missense change does not adversely affect protein function. These predictions have not been confirmed by published functional studies and their clinical significance is uncertain. In summary, the available evidence is currently insufficient to determine the role of this variant in disease. Therefore, it has been classified as a Variant of Uncertain Significance.